The following is an entry in ClinVar:

NM_006182.4(DDR2):c.832A>G (p.Ile278Val)

Gene: DDR2 (discoidin domain receptor tyrosine kinase 2; plus strand). Cytogenetic location: 1q23.3.
Variant type: single nucleotide variant.
Coding change: c.832A>G on transcript NM_006182.4 (MANE Select); coding-DNA position 832, A replaced by G.
Protein change: p.Ile278Val; replaces isoleucine 278 with valine.
Molecular consequence: missense variant.
Genome position (GRCh38, 1-based): chr1:162,759,956, A>G. VCF-style: chr1-162759956-A-G. GRCh37 (hg19) VCF-style: chr1-162729746-A-G.
Other names: c.832A>G, p.Ile278Val (NM_001014796.3, NM_001354982.2, NM_001354983.2); c.832A>G (NM_006182.2); short protein forms I278V.
Identifiers: ClinVar variation 1412259 (VCV001412259.7), dbSNP rs189746891, ClinGen allele CA1217351.
Genomic context (GRCh38, chr1:162,759,956, plus strand): 5'-GGCTGGCGGAACGAGAGTGCCACCAATGGCTACATTGAGATCATGTTTGAATTTGACCGC[A>G]TCAGGAATTTCACTACCATGAAGGTCAGTGGGGTCGGGTGTGGTGGAACTTCTTTAAGGA-3'
Protein context (NP_006173.2, residues 268-288): YIEIMFEFDR[Ile278Val]RNFTTMKVHC

ClinVar aggregate classification (germline): Uncertain significance. Review status: criteria provided, multiple submitters, no conflicts (2 of 4 stars). 3 submissions from 3 submitters: Uncertain significance (3). Last evaluated 2024-11-21.

Conditions:
Inborn genetic diseases. Identifiers: MedGen C0950123, MeSH D030342.

Allele frequency attached by ClinVar (database versions not stated): gnomAD 0.00001; gnomAD exomes 0.00001 and 0.00002; TOPMed 0.00001; ExAC 0.00003; 1000 Genomes Project 0.00020; 1000 Genomes Project 30x 0.00031.
gnomAD v4.1: 9 of 1,614,154 alleles (0.00056%); highest among the groups gnomAD compares: Admixed American, 0.015%; no homozygotes.

Submissions (3):

GeneDx
Classification: Uncertain significance. Last evaluated: 2024-11-21. Review status: criteria provided, single submitter. Criteria: GeneDx Variant Classification Process June 2021. Collection method: clinical testing. Allele origin: germline. Affected: yes.
Comment: In silico analysis indicates that this missense variant does not alter protein structure/function; Has not been previously published as pathogenic or benign to our knowledge

Ambry Genetics
Classification: Uncertain significance for Inborn genetic diseases. Last evaluated: 2024-06-17. Review status: criteria provided, single submitter. Criteria: Ambry Variant Classification Scheme 2023. Collection method: clinical testing. Allele origin: germline.

Labcorp Genetics (formerly Invitae), Labcorp
Classification: Uncertain significance. Last evaluated: 2022-07-20. Review status: criteria provided, single submitter. Criteria: Invitae Variant Classification Sherloc (09022015). Collection method: clinical testing. Allele origin: germline.
Comment: This sequence change replaces isoleucine, which is neutral and non-polar, with valine, which is neutral and non-polar, at codon 278 of the DDR2 protein (p.Ile278Val). This variant is present in population databases (rs189746891, gnomAD 0.02%). This variant has not been reported in the literature in individuals affected with DDR2-related conditions. ClinVar contains an entry for this variant (Variation ID: 1412259). Algorithms developed to predict the effect of missense changes on protein structure and function output the following: SIFT: "Tolerated"; PolyPhen-2: "Benign"; Align-GVGD: "Class C0". The valine amino acid residue is found in multiple mammalian species, which suggests that this missense change does not adversely affect protein function. In summary, the available evidence is currently insufficient to determine the role of this variant in disease. Therefore, it has been classified as a Variant of Uncertain Significance.